The following is an entry in ClinVar:

NM_004655.4(AXIN2):c.1042T>C (p.Ser348Pro)

Gene: AXIN2 (axin 2; minus strand). Cytogenetic location: 17q24.1.
Variant type: single nucleotide variant.
Coding change: c.1042T>C on transcript NM_004655.4 (MANE Select); coding-DNA position 1042, T replaced by C.
Protein change: p.Ser348Pro; replaces serine 348 with proline.
Molecular consequence: missense variant.
Genome position (GRCh38, 1-based): chr17:65,541,472, A>G on the plus strand (T>C on the coding strand, the complement: AXIN2 is on the minus strand). VCF-style: chr17-65541472-A-G. GRCh37 (hg19) VCF-style: chr17-63537590-A-G.
Other names: c.1042T>C, p.Ser348Pro (NM_001363813.1); short protein forms S348P.
Identifiers: ClinVar variation 1774612 (VCV001774612.6), dbSNP rs142726686, ClinGen allele CA400679133.

ClinVar aggregate classification (germline): Uncertain significance. Review status: criteria provided, multiple submitters, no conflicts (2 of 4 stars). 3 submissions from 3 submitters: Uncertain significance (3). Last evaluated 2023-08-25.

Conditions:
Hereditary cancer-predisposing syndrome. Also called: Hereditary Cancer Syndrome; Hereditary neoplastic syndrome; Neoplastic Syndromes, Hereditary; Tumor predisposition. Identifiers: Orphanet 140162, MedGen C0027672, MeSH D009386, MONDO:0015356.
Colorectal cancer. Also called: Malignant Colorectal Neoplasm; Colorectal cancer, somatic. Identifiers: MedGen C0346629, MONDO:0005575, OMIM 114500.
Oligodontia-cancer predisposition syndrome. Also called: TOOTH AGENESIS-COLORECTAL CANCER SYNDROME. Identifiers: Orphanet 300576, MedGen C1837750, MONDO:0012075, OMIM 608615. Disease mechanism: loss of function.

Allele frequency attached by ClinVar (database versions not stated): gnomAD exomes below 0.00001.
gnomAD v4.1: 2 of 1,614,000 alleles (0.00012%); highest among the groups gnomAD compares: Admixed American, 0.0017%; no homozygotes.

Submissions (3):

Baylor Genetics
Classification: Uncertain significance for Colorectal cancer. Last evaluated: 2023-08-25. Review status: criteria provided, single submitter. Criteria: ACMG Guidelines, 2015. Collection method: clinical testing. Allele origin: unknown.

Labcorp Genetics (formerly Invitae), Labcorp
Classification: Uncertain significance for Oligodontia-cancer predisposition syndrome. Last evaluated: 2023-05-22. Review status: criteria provided, single submitter. Criteria: Invitae Variant Classification Sherloc (09022015). Collection method: clinical testing. Allele origin: germline.
Comment: In summary, the available evidence is currently insufficient to determine the role of this variant in disease. Therefore, it has been classified as a Variant of Uncertain Significance. Advanced modeling of protein sequence and biophysical properties (such as structural, functional, and spatial information, amino acid conservation, physicochemical variation, residue mobility, and thermodynamic stability) performed at Invitae indicates that this missense variant is not expected to disrupt AXIN2 protein function. ClinVar contains an entry for this variant (Variation ID: 1774612). This variant has not been reported in the literature in individuals affected with AXIN2-related conditions. This variant is not present in population databases (gnomAD no frequency). This sequence change replaces serine, which is neutral and polar, with proline, which is neutral and non-polar, at codon 348 of the AXIN2 protein (p.Ser348Pro).

Ambry Genetics
Classification: Uncertain significance for Hereditary cancer-predisposing syndrome. Last evaluated: 2021-05-07. Review status: criteria provided, single submitter. Criteria: Ambry Variant Classification Scheme 2023. Collection method: clinical testing. Allele origin: germline.
Comment: The p.S348P variant (also known as c.1042T>C), located in coding exon 3 of the AXIN2 gene, results from a T to C substitution at nucleotide position 1042. The serine at codon 348 is replaced by proline, an amino acid with similar properties. This amino acid position is well conserved in available vertebrate species. In addition, the in silico prediction for this alteration is inconclusive. Since supporting evidence is limited at this time, the clinical significance of this alteration remains unclear.